The following is an entry in ClinVar:

NM_002454.3(MTRR):c.467C>G (p.Ser156Ter)

Gene: MTRR (5-methyltetrahydrofolate-homocysteine methyltransferase reductase; plus strand). Cytogenetic location: 5p15.31.
Variant type: single nucleotide variant.
Coding change: c.467C>G on transcript NM_002454.3 (MANE Select); coding-DNA position 467, C replaced by G.
Protein change: p.Ser156Ter; replaces serine 156 with a stop codon.
Molecular consequence: nonsense. On other transcripts: non-coding transcript variant (14).
Genome position (GRCh38, 1-based): chr5:7,878,009, C>G. VCF-style: chr5-7878009-C-G. GRCh37 (hg19) VCF-style: chr5-7878122-C-G.
Other names: c.467C>G, p.Ser156Ter (NM_001364440.2, NM_001364441.2, NM_001364442.2 and 1 more transcripts); short protein forms S156*.
Identifiers: ClinVar variation 2989800 (VCV002989800.3), dbSNP rs919772858, ClinGen allele CA359156799.

ClinVar aggregate classification (germline): Pathogenic (1 of 4 stars; one submission).

Conditions:
Methylcobalamin deficiency type cblE (HMAE). Also called: HOMOCYSTINURIA-MEGALOBLASTIC ANEMIA, cblE TYPE; HOMOCYSTINURIA-MEGALOBLASTIC ANEMIA, cblE COMPLEMENTATION TYPE; VITAMIN B12-RESPONSIVE HOMOCYSTINURIA, cblE TYPE. Identifiers: Orphanet 2169, Orphanet 622, MedGen C1856057, MONDO:0009354, OMIM 236270.

gnomAD v4.1: 1 of 1,613,544 alleles (0.000062%); highest among the groups gnomAD compares: Non-Finnish European, 0.000085%; no homozygotes.

Submission:

Labcorp Genetics (formerly Invitae), Labcorp
Classification: Pathogenic for Methylcobalamin deficiency type cblE. Last evaluated: 2023-07-26. Review status: criteria provided, single submitter. Criteria: Invitae Variant Classification Sherloc (09022015). Collection method: clinical testing. Allele origin: germline.
Comment: For these reasons, this variant has been classified as Pathogenic. This variant has not been reported in the literature in individuals affected with MTRR-related conditions. This variant is present in population databases (no rsID available, gnomAD 0.0009%). This sequence change creates a premature translational stop signal (p.Ser156*) in the MTRR gene. It is expected to result in an absent or disrupted protein product. Loss-of-function variants in MTRR are known to be pathogenic (PMID: 15714522).

Literature cited by the submitters: PubMed 15714522.